The following is an entry in ClinVar:

ClinVar aggregate classification (germline): Uncertain significance. Review status: criteria provided, multiple submitters, no conflicts (2 of 4 stars). 2 submissions from 2 submitters: Uncertain significance (2). Last evaluated 2022-07-14.

Conditions:
Hereditary breast ovarian cancer syndrome. Also called: Hereditary breast and ovarian cancer syndrome (HBOC); Hereditary breast and ovarian cancer; BRCA1- and BRCA2-Associated Hereditary Breast and Ovarian Cancer; Breast and ovarian cancer; Hereditary breast and ovarian cancer syndrome; Hereditary breast and/or ovarian cancer syndrome. Identifiers: Orphanet 145, MedGen C0677776, MeSH D061325, MONDO:0003582. Disease mechanism: loss of function.
Hereditary cancer-predisposing syndrome. Also called: Hereditary neoplastic syndrome; Tumor predisposition; Hereditary Cancer Syndrome; Neoplastic Syndromes, Hereditary. Identifiers: Orphanet 140162, MedGen C0027672, MeSH D009386, MONDO:0015356.

Submissions (3):

Labcorp Genetics (formerly Invitae), Labcorp
Classification: Uncertain significance for Hereditary breast ovarian cancer syndrome. Last evaluated: 2022-07-14. Review status: criteria provided, single submitter. Criteria: Invitae Variant Classification Sherloc (09022015). Collection method: clinical testing. Allele origin: germline.
Comment: This sequence change replaces leucine, which is neutral and non-polar, with proline, which is neutral and non-polar, at codon 1701 of the BRCA1 protein (p.Leu1701Pro). This variant is not present in population databases (gnomAD no frequency). This missense change has been observed in individual(s) with breast and/or ovarian cancer (PMID: 19818148, 27062684, 29020660). ClinVar contains an entry for this variant (Variation ID: 664982). Advanced modeling of experimental studies (such as gene expression, population dynamics, functional pathways, and cell-cycle effects in cell culture) performed at Invitae indicates that this missense variant is expected to disrupt BRCA1 protein function. Experimental studies are conflicting or provide insufficient evidence to determine the effect of this variant on BRCA1 function (PMID: 30209399). In summary, the available evidence is currently insufficient to determine the role of this variant in disease. Therefore, it has been classified as a Variant of Uncertain Significance.

Ambry Genetics
Classification: Uncertain significance for Hereditary cancer-predisposing syndrome. Last evaluated: 2021-01-21. Review status: criteria provided, single submitter. Criteria: Ambry Variant Classification Scheme 2023. Collection method: clinical testing. Allele origin: germline.
Comment: The p.L1701P variant (also known as c.5102T>C), located in coding exon 16 of the BRCA1 gene, results from a T to C substitution at nucleotide position 5102. The leucine at codon 1701 is replaced by proline, an amino acid with similar properties. This alteration has been identified in cohorts of Italian patients diagnosed with breast and/or ovarian cancer (Santonocito C et al. Breast. 2017 Dec;36:74-78; Azzollini J et al. Eur. J. Intern. Med. 2016 Jul;32:65-71; Miolo G et al. BMC Cancer. 2009 Oct;9:360). Based on structural analysis, the L1701 residue is located in the important hydrophobic peptide binding pocket of the BRCA1 protein (Williams RS et al. Nat. Struct. Biol. 2004;11(6): 519-525). This amino acid position is highly conserved in available vertebrate species. In addition, this alteration is predicted to be deleterious by in silico analysis. Since supporting evidence is limited at this time, the clinical significance of this alteration remains unclear.

Brotman Baty Institute, University of Washington
No classification provided (evidence only). Condition: Breast-ovarian cancer, familial 1. Review status: no classification provided. Collection method: in vitro. Allele origin: not applicable. Functional consequence: function_uncertain_variant. Not counted in ClinVar's aggregate classification.
ClinVar note: "not provided" was previously submitted as the classification for the variant. However, the classification appeared to be based only on an observation of functional data so it was converted to no classification on 2025-07-30.

Literature cited by the submitters: PubMed 19818148 (cited by Labcorp Genetics (formerly Invitae), Labcorp and Ambry Genetics); PubMed 27062684 (cited by Labcorp Genetics (formerly Invitae), Labcorp and Ambry Genetics); PubMed 29020660 (cited by Labcorp Genetics (formerly Invitae), Labcorp and Ambry Genetics); PubMed 30209399 (cited by Labcorp Genetics (formerly Invitae), Labcorp).

NM_007294.4(BRCA1):c.5102T>C (p.Leu1701Pro)

Gene: BRCA1 (BRCA1 DNA repair associated; minus strand). Cytogenetic location: 17q21.31.
Variant type: single nucleotide variant.
Coding change: c.5102T>C on transcript NM_007294.4 (MANE Select); coding-DNA position 5102, T replaced by C.
Protein change: p.Leu1701Pro; replaces leucine 1701 with proline.
Molecular consequence: missense variant. On other transcripts: non-coding transcript variant (1).
Genome position (GRCh38, 1-based): chr17:43,063,924, A>G on the plus strand (T>C on the coding strand, the complement: BRCA1 is on the minus strand). VCF-style: chr17-43063924-A-G. GRCh37 (hg19) VCF-style: chr17-41215941-A-G.
Other names: c.1667T>C, p.Leu556Pro (NM_001408439.1, NM_001408440.1, NM_001408441.1 and 10 more transcripts); c.1664T>C, p.Leu555Pro (NM_001408445.1, NM_001408446.1, NM_001408447.1 and 2 more transcripts); c.1787T>C, p.Leu596Pro (NM_001408397.1, NM_001408398.1, NM_001408473.1 and 8 more transcripts); c.1718T>C, p.Leu573Pro (NM_001408410.1); c.1715T>C, p.Leu572Pro (NM_001408411.1); c.1712T>C, p.Leu571Pro (NM_001408412.1, NM_001408413.1, NM_001408414.1 and 2 more transcripts); c.1676T>C, p.Leu559Pro (NM_001408418.1, NM_001408419.1, NM_001408420.1); c.1670T>C, p.Leu557Pro (NM_001408430.1, NM_001408431.1, NM_001408425.1 and 4 more transcripts); and 71 more; short protein forms L1701P, L1722P, L1654P, L597P, L1547P, L1572P, L1574P, L1632P.
Identifiers: ClinVar variation 664982 (VCV000664982.12), dbSNP rs1597820325, ClinGen allele CA10591325.